The following is an entry in ClinVar:

ClinVar aggregate classification (germline): Likely pathogenic (1 of 4 stars; one submission).

Conditions:
RASopathy. Also called: rasopathies; Noonan spectrum disorder. Identifiers: Orphanet 536391, MedGen C5555857, MONDO:0021060.

gnomAD v4.1: 1 of 1,611,390 alleles (0.000062%); highest among the groups gnomAD compares: Non-Finnish European, 0.000085%; no homozygotes.

Submission:

Labcorp Genetics (formerly Invitae), Labcorp
Classification: Likely pathogenic for RASopathy. Last evaluated: 2025-03-26. Review status: criteria provided, single submitter. Criteria: Invitae Variant Classification Sherloc (09022015). Collection method: clinical testing. Allele origin: germline.
Comment: This sequence change replaces arginine, which is basic and polar, with serine, which is neutral and polar, at codon 289 of the PTPN11 protein (p.Arg289Ser). This variant is not present in population databases (gnomAD no frequency). This variant has not been reported in the literature in individuals affected with PTPN11-related conditions. Invitae Evidence Modeling of protein sequence and biophysical properties (such as structural, functional, and spatial information, amino acid conservation, physicochemical variation, residue mobility, and thermodynamic stability) indicates that this missense variant is expected to disrupt PTPN11 protein function with a positive predictive value of 95%. This variant disrupts the p.Arg289 amino acid residue in PTPN11. Other variant(s) that disrupt this residue have been determined to be pathogenic (PMID: 18470943, 30896080). This suggests that this residue is clinically significant, and that variants that disrupt this residue are likely to be disease-causing. In summary, the currently available evidence indicates that the variant is pathogenic, but additional data are needed to prove that conclusively. Therefore, this variant has been classified as Likely Pathogenic.

Literature cited by the submitters: PubMed 18470943; PubMed 30896080.

NM_002834.5(PTPN11):c.867G>T (p.Arg289Ser)

Gene: PTPN11 (protein tyrosine phosphatase non-receptor type 11; plus strand). Cytogenetic location: 12q24.13.
Variant type: single nucleotide variant.
Coding change: c.867G>T on transcript NM_002834.5 (MANE Select); coding-DNA position 867, G replaced by T.
Protein change: p.Arg289Ser; replaces arginine 289 with serine.
Molecular consequence: missense variant.
Genome position (GRCh38, 1-based): chr12:112,477,664, G>T. VCF-style: chr12-112477664-G-T. GRCh37 (hg19) VCF-style: chr12-112915468-G-T.
Other names: c.867G>T, p.Arg289Ser (NM_001330437.2, NM_080601.3); c.864G>T, p.Arg288Ser (NM_001374625.1); short protein forms R288S, R289S.
Identifiers: ClinVar variation 4693888 (VCV004693888.1).